The following is an entry in ClinVar:

ClinVar aggregate classification (germline): Conflicting classifications of pathogenicity. Review status: criteria provided, conflicting classifications (1 of 4 stars). 3 submissions from 3 submitters: Uncertain significance (2); Likely benign (1). Last evaluated 2026-02-16.

Conditions:
WBP2-related disorder. Also called: WBP2-related condition.

Allele frequency attached by ClinVar (database versions not stated): gnomAD exomes 0.00009; ExAC 0.00013; TOPMed 0.00028; gnomAD 0.00029; ESP Exome Variant Server 0.00062.
gnomAD v4.1: 172 of 1,613,664 alleles (0.011%); highest among the groups gnomAD compares: African/African-American, 0.084%; no homozygotes.

Submissions (3):

PreventionGenetics, part of Exact Sciences
Classification: Uncertain significance for WBP2-related condition. Last evaluated: 2026-02-16. Review status: criteria provided, single submitter. Criteria: ACMG Guidelines, 2015. Collection method: clinical testing. Allele origin: germline.
Comment: The WBP2 c.98A>G variant is predicted to result in the amino acid substitution p.Asn33Ser. To our knowledge, this variant has not been reported in the literature. This variant is reported in 0.092% of alleles in individuals of African descent in gnomAD. Although we suspect that this variant may be benign, at this time, the clinical significance of this variant is uncertain due to the absence of conclusive functional and genetic evidence.

Labcorp Genetics (formerly Invitae), Labcorp
Classification: Uncertain significance. Last evaluated: 2025-11-25. Review status: criteria provided, single submitter. Criteria: Invitae Variant Classification Sherloc (09022015). Collection method: clinical testing. Allele origin: germline.
Comment: This sequence change replaces asparagine, which is neutral and polar, with serine, which is neutral and polar, at codon 33 of the WBP2 protein (p.Asn33Ser). This variant is present in population databases (rs147416469, gnomAD 0.09%), and has an allele count higher than expected for a pathogenic variant. This variant has not been reported in the literature in individuals affected with WBP2-related conditions. ClinVar contains an entry for this variant (Variation ID: 2462095). Invitae Evidence Modeling of protein sequence and biophysical properties (such as structural, functional, and spatial information, amino acid conservation, physicochemical variation, residue mobility, and thermodynamic stability) indicates that this missense variant is not expected to disrupt WBP2 protein function with a negative predictive value of 80%. In summary, the available evidence is currently insufficient to determine the role of this variant in disease. Therefore, it has been classified as a Variant of Uncertain Significance.

Ambry Genetics
Classification: Likely benign. Last evaluated: 2023-02-06. Review status: criteria provided, single submitter. Criteria: Ambry Variant Classification Scheme 2023. Collection method: clinical testing. Allele origin: germline.

NM_012478.4(WBP2):c.98A>G (p.Asn33Ser)

Gene: WBP2 (WW domain binding protein 2; minus strand). Cytogenetic location: 17q25.1.
Variant type: single nucleotide variant.
Coding change: c.98A>G on transcript NM_012478.4 (MANE Select); coding-DNA position 98, A replaced by G.
Protein change: p.Asn33Ser; replaces asparagine 33 with serine.
Molecular consequence: missense variant.
Genome position (GRCh38, 1-based): chr17:75,851,638, T>C on the plus strand (A>G on the coding strand, the complement: WBP2 is on the minus strand). VCF-style: chr17-75851638-T-C. GRCh37 (hg19) VCF-style: chr17-73847719-T-C.
Other names: c.98A>G, p.Asn33Ser (NM_001330499.2, NM_001348170.1); short protein forms N33S.
Identifiers: ClinVar variation 2462095 (VCV002462095.4), dbSNP rs147416469, ClinGen allele CA8774035.
Genomic context (GRCh38, chr17:75,851,638, plus strand): 5'-GTAAGGTAGACAGTGCCTTTCTTGGTCCCTTTGAAGGCTTCTGGCACGTTCTTCATGTCA[T>C]TGAATGTGAGTTCCACGTGATCATAGGACATTAGGATGCTGTGATGAGAAAAGAGGAAAA-3'
Protein context (NP_036610.2, residues 23-43): MSYDHVELTF[Asn33Ser]DMKNVPEAFK